The following is an entry in ClinVar:

ClinVar aggregate classification (germline): Uncertain significance (1 of 4 stars; one submission).

Submission:

GeneDx
Classification: Uncertain significance. Last evaluated: 2025-06-03. Review status: criteria provided, single submitter. Criteria: GeneDx Variant Classification Process June 2021. Collection method: clinical testing. Allele origin: germline. Affected: yes.
Comment: Not observed at significant frequency in large population cohorts (gnomAD); In silico analysis supports that this missense variant has a deleterious effect on protein structure/function; Has not been previously published as pathogenic or benign to our knowledge

NM_005465.7(AKT3):c.962A>C (p.Asn321Thr)

Gene: AKT3 (AKT serine/threonine kinase 3; minus strand). Cytogenetic location: 1q44.
Variant type: single nucleotide variant.
Coding change: c.962A>C on transcript NM_005465.7 (MANE Select); coding-DNA position 962, A replaced by C.
Protein change: p.Asn321Thr; replaces asparagine 321 with threonine.
Molecular consequence: missense variant.
Genome position (GRCh38, 1-based): chr1:243,552,930, T>G on the plus strand (A>C on the coding strand, the complement: AKT3 is on the minus strand). VCF-style: chr1-243552930-T-G. GRCh37 (hg19) VCF-style: chr1-243716232-T-G.
Other names: c.962A>C, p.Asn321Thr (NM_001206729.2, NM_001370074.1, NM_181690.2); short protein forms N321T.
Identifiers: ClinVar variation 4538009 (VCV004538009.1).